The following is an entry in ClinVar:

ClinVar aggregate classification (germline): Uncertain significance. Review status: criteria provided, multiple submitters, no conflicts (2 of 4 stars). 2 submissions from 2 submitters: Uncertain significance (2). Last evaluated 2026-03-11.

Conditions:
Cardiovascular phenotype. Identifiers: MedGen CN230736.
Duchenne muscular dystrophy (DMD). Also called: MUSCULAR DYSTROPHY, PSEUDOHYPERTROPHIC PROGRESSIVE, DUCHENNE TYPE; Duchenne Muscular Dystrophy (DMD). Identifiers: Orphanet 98896, MedGen C0013264, MONDO:0010679, OMIM 310200.

gnomAD v4.1: 3 of 1,210,282 alleles (0.00025%); highest among the groups gnomAD compares: Admixed American, 0.0022%; no homozygotes.

Submissions (2):

Ambry Genetics
Classification: Uncertain significance for Cardiovascular phenotype. Last evaluated: 2026-03-11. Review status: criteria provided, single submitter. Criteria: Ambry Variant Classification Scheme 2023. Collection method: clinical testing. Allele origin: germline.

Labcorp Genetics (formerly Invitae), Labcorp
Classification: Uncertain significance for Duchenne muscular dystrophy. Last evaluated: 2024-10-06. Review status: criteria provided, single submitter. Criteria: Invitae Variant Classification Sherloc (09022015). Collection method: clinical testing. Allele origin: germline.
Comment: This sequence change replaces alanine, which is neutral and non-polar, with aspartic acid, which is acidic and polar, at codon 1637 of the DMD protein (p.Ala1637Asp). This variant is not present in population databases (gnomAD no frequency). This variant has not been reported in the literature in individuals affected with DMD-related conditions. ClinVar contains an entry for this variant (Variation ID: 2171254). Invitae Evidence Modeling of protein sequence and biophysical properties (such as structural, functional, and spatial information, amino acid conservation, physicochemical variation, residue mobility, and thermodynamic stability) indicates that this missense variant is not expected to disrupt DMD protein function with a negative predictive value of 95%. In summary, the available evidence is currently insufficient to determine the role of this variant in disease. Therefore, it has been classified as a Variant of Uncertain Significance.

NM_004006.3(DMD):c.4910C>A (p.Ala1637Asp)

Gene: DMD (dystrophin; minus strand). Cytogenetic location: Xp21.1.
Variant type: single nucleotide variant.
Coding change: c.4910C>A on transcript NM_004006.3 (MANE Select); coding-DNA position 4910, C replaced by A.
Protein change: p.Ala1637Asp; replaces alanine 1637 with aspartic acid.
Molecular consequence: missense variant.
Genome position (GRCh38, 1-based): chrX:32,365,135, G>T on the plus strand (C>A on the coding strand, the complement: DMD is on the minus strand). VCF-style: chrX-32365135-G-T. GRCh37 (hg19) VCF-style: chrX-32383252-G-T.
Other names: c.4886C>A, p.Ala1629Asp (NM_000109.4); c.4898C>A, p.Ala1633Asp (NM_004009.3); c.4541C>A, p.Ala1514Asp (NM_004010.3); c.887C>A, p.Ala296Asp (NM_004011.4); c.878C>A, p.Ala293Asp (NM_004012.4); short protein forms A1637D, A296D, A293D, A1514D, A1629D, A1633D.
Identifiers: ClinVar variation 2171254 (VCV002171254.4), dbSNP rs1285159164, ClinGen allele CA412672236.